The following is an entry in ClinVar:

NM_006080.3(SEMA3A):c.1950T>G (p.His650Gln)

Gene: SEMA3A (semaphorin 3A; minus strand). Cytogenetic location: 7q21.11.
Variant type: single nucleotide variant.
Coding change: c.1950T>G on transcript NM_006080.3 (MANE Select); coding-DNA position 1950, T replaced by G.
Protein change: p.His650Gln; replaces histidine 650 with glutamine.
Molecular consequence: missense variant.
Genome position (GRCh38, 1-based): chr7:83,961,737, A>C on the plus strand (T>G on the coding strand, the complement: SEMA3A is on the minus strand). VCF-style: chr7-83961737-A-C. GRCh37 (hg19) VCF-style: chr7-83591053-A-C.
Other names: short protein forms H650Q.
Identifiers: ClinVar variation 3622920 (VCV003622920.2).
Genomic context (GRCh38, chr7:83,961,737, plus strand): 5'-TGTGTCAATGACTTCCAGGGTTACCTTAAGAAGAGTTTGTATGAACCCATGTTCCACCGC[A>C]TGGCAGAGGTAATTGCCTGAATCCTTCTGTTGTAGACTACGTAGCAGAAGGCCTTGATCT-3'
Protein context (NP_006071.1, residues 640-660): QQKDSGNYLC[His650Gln]AVEHGFIQTL

ClinVar aggregate classification (germline): Uncertain significance (1 of 4 stars; one submission).

gnomAD v4.1: 4 of 1,613,982 alleles (0.00025%); highest among the groups gnomAD compares: Non-Finnish European, 0.00034%; no homozygotes.

Submission:

Labcorp Genetics (formerly Invitae), Labcorp
Classification: Uncertain significance. Last evaluated: 2025-03-16. Review status: criteria provided, single submitter. Criteria: Invitae Variant Classification Sherloc (09022015). Collection method: clinical testing. Allele origin: germline.
Comment: This sequence change replaces histidine, which is basic and polar, with glutamine, which is neutral and polar, at codon 650 of the SEMA3A protein (p.His650Gln). This variant is present in population databases (rs768394870, gnomAD 0.0009%). This variant has not been reported in the literature in individuals affected with SEMA3A-related conditions. Invitae Evidence Modeling of protein sequence and biophysical properties (such as structural, functional, and spatial information, amino acid conservation, physicochemical variation, residue mobility, and thermodynamic stability) indicates that this missense variant is not expected to disrupt SEMA3A protein function with a negative predictive value of 80%. In summary, the available evidence is currently insufficient to determine the role of this variant in disease. Therefore, it has been classified as a Variant of Uncertain Significance.